The following is an entry in ClinVar:

ClinVar aggregate classification (germline): Uncertain significance (1 of 4 stars; one submission).

Conditions:
Amelocerebrohypohidrotic syndrome (KTZS). Also called: EPILEPSY, DEMENTIA, AND AMELOGENESIS IMPERFECTA; KOHLSCHUTTER SYNDROME; Kohlschutter's syndrome; EPILEPSY AND YELLOW TEETH. Identifiers: Orphanet 1946, MedGen C0406740, MONDO:0009185, OMIM 226750.

Allele frequency attached by ClinVar (database versions not stated): gnomAD exomes below 0.00001.
gnomAD v4.1: 1 of 1,573,828 alleles (0.000064%); highest among the groups gnomAD compares: Non-Finnish European, 0.000086%; no homozygotes.

Submission:

Labcorp Genetics (formerly Invitae), Labcorp
Classification: Uncertain significance for Amelocerebrohypohidrotic syndrome. Last evaluated: 2020-10-01. Review status: criteria provided, single submitter. Criteria: Invitae Variant Classification Sherloc (09022015). Collection method: clinical testing. Allele origin: germline.
Comment: This variant is not present in population databases (ExAC no frequency). In summary, the available evidence is currently insufficient to determine the role of this variant in disease. Therefore, it has been classified as a Variant of Uncertain Significance. Algorithms developed to predict the effect of missense changes on protein structure and function are either unavailable or do not agree on the potential impact of this missense change (SIFT: "Tolerated"; PolyPhen-2: "Probably Damaging"; Align-GVGD: "Class C15"). This variant has not been reported in the literature in individuals with ROGDI-related conditions. This sequence change replaces arginine with serine at codon 155 of the ROGDI protein (p.Arg155Ser). The arginine residue is highly conserved and there is a moderate physicochemical difference between arginine and serine.

NM_024589.3(ROGDI):c.465A>C (p.Arg155Ser)

Gene: ROGDI (rogdi atypical leucine zipper; minus strand). Cytogenetic location: 16p13.3.
Variant type: single nucleotide variant.
Coding change: c.465A>C on transcript NM_024589.3 (MANE Select); coding-DNA position 465, A replaced by C.
Protein change: p.Arg155Ser; replaces arginine 155 with serine.
Molecular consequence: missense variant. On other transcripts: non-coding transcript variant (1).
Genome position (GRCh38, 1-based): chr16:4,798,635, T>G on the plus strand (A>C on the coding strand, the complement: ROGDI is on the minus strand). VCF-style: chr16-4798635-T-G. GRCh37 (hg19) VCF-style: chr16-4848636-T-G.
Other names: short protein forms R155S.
Identifiers: ClinVar variation 1010826 (VCV001010826.8), dbSNP rs1367837038, ClinGen allele CA394651701.